The following is an entry in ClinVar:

NM_023036.6(DNAI2):c.412G>T (p.Glu138Ter)

Gene: DNAI2 (dynein axonemal intermediate chain 2; plus strand). Cytogenetic location: 17q25.1.
Variant type: single nucleotide variant.
Coding change: c.412G>T on transcript NM_023036.6 (MANE Select); coding-DNA position 412, G replaced by T.
Protein change: p.Glu138Ter; replaces glutamic acid 138 with a stop codon.
Molecular consequence: nonsense.
Genome position (GRCh38, 1-based): chr17:74,287,043, G>T. VCF-style: chr17-74287043-G-T. GRCh37 (hg19) VCF-style: chr17-72283182-G-T.
Other names: c.412G>T, p.Glu138Ter (NM_001172810.3, NM_001353167.2); short protein forms E138*.
Identifiers: ClinVar variation 2831289 (VCV002831289.3), dbSNP rs2051791551, ClinGen allele CA400904815.
Genomic context (GRCh38, chr17:74,287,043, plus strand): 5'-GAGCACTGCATCAAGCAGAACAATGCCATTGACATCTATGAAGAGTATTTCAATGACGAG[G>T]AGGCCATGGAAGTGATGGAGGAGGACCCTTCAGCTAAAACCATCAATGTGTTCAGGTAGC-3'

ClinVar aggregate classification (germline): Pathogenic (1 of 4 stars; one submission).

Conditions:
Primary ciliary dyskinesia. Also called: Ciliary dyskinesia. Identifiers: Orphanet 244, MedGen C0008780, MONDO:0016575, HP:0012265.

Submission:

Labcorp Genetics (formerly Invitae), Labcorp
Classification: Pathogenic for Primary ciliary dyskinesia. Last evaluated: 2023-01-23. Review status: criteria provided, single submitter. Criteria: Invitae Variant Classification Sherloc (09022015). Collection method: clinical testing. Allele origin: germline.
Comment: For these reasons, this variant has been classified as Pathogenic. This variant has not been reported in the literature in individuals affected with DNAI2-related conditions. This variant is not present in population databases (gnomAD no frequency). This sequence change creates a premature translational stop signal (p.Glu138*) in the DNAI2 gene. It is expected to result in an absent or disrupted protein product. Loss-of-function variants in DNAI2 are known to be pathogenic (PMID: 18950741, 23891469).

Literature cited by the submitters: PubMed 18950741; PubMed 23891469.